The following is an entry in ClinVar:

ClinVar aggregate classification (germline): Likely benign. Review status: criteria provided, multiple submitters, no conflicts (2 of 4 stars). 3 submissions from 3 submitters: Likely benign (2). 1 of the submissions does not count toward it. Last evaluated 2024-11-17.

Conditions:
NCF4-related disorder. Also called: NCF4-related condition.

Allele frequency attached by ClinVar (database versions not stated): TOPMed 0.00002; gnomAD exomes 0.00013; 1000 Genomes Project 30x 0.00031; ExAC 0.00032; 1000 Genomes Project 0.00040.
gnomAD v4.1: 195 of 1,614,144 alleles (0.012%); highest among the groups gnomAD compares: South Asian, 0.15%; 6 homozygotes.

Submissions (3):

Blueprint Genetics
Classification: Likely benign. Last evaluated: 2024-11-17. Review status: criteria provided, single submitter. Criteria: ACMG Guidelines, 2015. Collection method: clinical testing. Allele origin: germline.

CeGaT Center for Human Genetics Tuebingen
Classification: Likely benign. Last evaluated: 2024-02-01. Review status: criteria provided, single submitter. Criteria: CeGaT Center For Human Genetics Tuebingen Variant Classification Criteria Version 2. Collection method: clinical testing. Allele origin: germline. Affected: yes. Observed: 1 variant allele.
Comment: NCF4: BP4, BP7

PreventionGenetics, part of Exact Sciences
Classification: Likely benign for NCF4-related condition. Last evaluated: 2019-11-16. Review status: no assertion criteria provided. Collection method: clinical testing. Allele origin: germline. Not counted in ClinVar's aggregate classification.
Comment: This variant is classified as likely benign based on ACMG/AMP sequence variant interpretation guidelines (Richards et al. 2015 PMID: 25741868, with internal and published modifications).

NM_000631.5(NCF4):c.906C>T (p.Asp302=)

Gene: NCF4 (neutrophil cytosolic factor 4; plus strand). Cytogenetic location: 22q12.3.
Variant type: single nucleotide variant.
Coding change: c.906C>T on transcript NM_000631.5 (MANE Select); coding-DNA position 906, C replaced by T.
Protein change: p.Asp302=; no amino-acid change (aspartic acid 302 retained).
Molecular consequence: synonymous variant. On other transcripts: 3 prime UTR variant (1).
Genome position (GRCh38, 1-based): chr22:36,877,709, C>T. VCF-style: chr22-36877709-C-T. GRCh37 (hg19) VCF-style: chr22-37273751-C-T.
Other names: c.*104C>T (NM_013416.4); c.906C>T (NM_000631.4).
Identifiers: ClinVar variation 3025116 (VCV003025116.24), dbSNP rs567611718, ClinGen allele CA10213267.
Genomic context (GRCh38, chr22:36,877,709, plus strand): 5'-CATAGCTCTGAATTACCGGGACGCTGAGGGGGATCTGGTTCGGCTGCTGTCGGATGAGGA[C>T]GTAGCGCTCATGGTGCGGCAGGCTCGTGGCCTCCCCTCCCAGAAGCGCCTCTTCCCCTGG-3'
Protein context (NP_000622.2, residues 292-312): GDLVRLLSDE[Asp302=]VALMVRQARG